The following is an entry in ClinVar:

ClinVar aggregate classification (germline): Uncertain significance. Review status: criteria provided, single submitter (1 of 4 stars). 2 submissions from 2 submitters: Uncertain significance (1). 1 of the submissions does not count toward it. Last evaluated 2025-09-23.

Conditions:
RUSC2-related disorder. Also called: RUSC2-related condition.

Allele frequency attached by ClinVar (database versions not stated): gnomAD 0.00007 and 0.00009; ESP Exome Variant Server 0.00008; TOPMed 0.00012; gnomAD exomes 0.00013 and 0.00017; ExAC 0.00016.
gnomAD v4.1: 199 of 1,607,170 alleles (0.012%); highest among the groups gnomAD compares: Admixed American, 0.032%; no homozygotes.

Submissions (2):

Labcorp Genetics (formerly Invitae), Labcorp
Classification: Uncertain significance. Last evaluated: 2025-09-23. Review status: criteria provided, single submitter. Criteria: Invitae Variant Classification Sherloc (09022015). Collection method: clinical testing. Allele origin: germline.
Comment: This sequence change affects codon 671 of the RUSC2 mRNA. It is a 'silent' change, meaning that it does not change the encoded amino acid sequence of the RUSC2 protein. It affects a nucleotide within the consensus splice site. This variant is present in population databases (rs147747906, gnomAD 0.03%). This variant has been observed in individual(s) with clinical features of RUS2-related conditions (internal data). ClinVar contains an entry for this variant (Variation ID: 1368813). Algorithms developed to predict the effect of sequence changes on RNA splicing suggest that this variant is not likely to affect RNA splicing. In summary, the available evidence is currently insufficient to determine the role of this variant in disease. Therefore, it has been classified as a Variant of Uncertain Significance.

PreventionGenetics, part of Exact Sciences
Classification: Likely benign for RUSC2-related condition. Last evaluated: 2020-10-12. Review status: no assertion criteria provided. Collection method: clinical testing. Allele origin: germline. Not counted in ClinVar's aggregate classification.
Comment: This variant is classified as likely benign based on ACMG/AMP sequence variant interpretation guidelines (Richards et al. 2015 PMID: 25741868, with internal and published modifications).

NM_014806.5(RUSC2):c.2013C>T (p.Asp671=)

Gene: RUSC2 (RUN and SH3 domain containing 2; plus strand). Cytogenetic location: 9p13.3.
Variant type: single nucleotide variant.
Coding change: c.2013C>T on transcript NM_014806.5 (MANE Select); coding-DNA position 2013, C replaced by T.
Protein change: p.Asp671=; no amino-acid change (aspartic acid 671 retained).
Molecular consequence: synonymous variant. On other transcripts: intron variant (1).
Genome position (GRCh38, 1-based): chr9:35,548,534, C>T. VCF-style: chr9-35548534-C-T. GRCh37 (hg19) VCF-style: chr9-35548531-C-T.
Other names: c.2013C>T, p.Asp671= (NM_001135999.2); c.-620-6526C>T (NM_001330740.2); c.2013C>T (NM_001135999.1).
Identifiers: ClinVar variation 1368813 (VCV001368813.7), dbSNP rs147747906, ClinGen allele CA5043772.